The following is an entry in ClinVar:

NC_000005.9:g.(?_138147862)_(138148001_?)del

Gene: CTNNA1 (catenin alpha 1; plus strand). Cytogenetic location: 5q31.2.
Variant type: Deletion.
Identifiers: ClinVar variation 2424301 (VCV002424301.4).

ClinVar aggregate classification (germline): Uncertain significance (1 of 4 stars; one submission).

Submission:

Labcorp Genetics (formerly Invitae), Labcorp
Classification: Uncertain significance. Last evaluated: 2022-03-12. Review status: criteria provided, single submitter. Criteria: Invitae Variant Classification Sherloc (09022015). Collection method: clinical testing. Allele origin: germline.
Comment: In summary, the available evidence is currently insufficient to determine the role of this variant in disease. Therefore, it has been classified as a Variant of Uncertain Significance. Experimental studies and prediction algorithms are not available or were not evaluated, and the functional significance of this variant is currently unknown. This variant has not been reported in the literature in individuals affected with CTNNA1-related conditions. This variant is a gross deletion of the genomic region encompassing exon(s) 5 of the CTNNA1 gene. This variant would be expected to be in-frame, preserving the integrity of the reading frame.